The following is an entry in ClinVar:

NM_000135.4(FANCA):c.3112_3139del (p.Leu1038fs)

Gene: FANCA (FA complementation group A; minus strand). Cytogenetic location: 16q24.3.
Variant type: Deletion.
Coding change: c.3112_3139del on transcript NM_000135.4 (MANE Select); coding-DNA positions 3112 to 3139, 28 bases deleted (CTCGGCCACACCCCTTCCCAGGAGCACT).
Protein change: p.Leu1038fs; shifts the reading frame from leucine 1038.
Molecular consequence: frameshift variant.
Genome position (GRCh38, 1-based): chr16:89,749,830-89,749,857, AGTGCTCCTGGGAAGGGGTGTGGCCGAG deleted on the plus strand (CTCGGCCACACCCCTTCCCAGGAGCACT on the coding strand, the reverse complement: FANCA is on the minus strand); deleting any 28 consecutive bases within chr16:89,749,830-89,749,859 gives the same sequence; the c. name uses the placement nearest the transcript's 3' end. VCF-style (leftmost placement, unchanged base first): chr16-89749829-AAGTGCTCCTGGGAAGGGGTGTGGCCGAG-A. GRCh37 (hg19) VCF-style: chr16-89816237-AAGTGCTCCTGGGAAGGGGTGTGGCCGAG-A.
Other names: c.3112_3139del, p.Leu1038fs (NM_001286167.3); short protein forms L1038fs.
Identifiers: ClinVar variation 1076151 (VCV001076151.6), dbSNP rs2143139284, ClinGen allele CA2499223857.
Genomic context (GRCh38, chr16:89,749,829, plus strand): 5'-GCAGCCACGCTCCACCCGCTTGTCAGAGCCTGGAGCCGTCTGCGGAAAATCTCAAAGAGG[AAGTGCTCCTGGGAAGGGGTGTGGCCGAG>A]AGGCACTATGAGGTCTTGCTGCAGCTCCAGGTCAGCTACCATCTCCTGAAAAAGAGCAGT-3'

ClinVar aggregate classification (germline): Pathogenic (1 of 4 stars; one submission).

Conditions:
Fanconi anemia (FA). Also called: Fanconi's anemia. Identifiers: Orphanet 84, MedGen C0015625, MeSH D005199, MONDO:0019391.

Submission:

Labcorp Genetics (formerly Invitae), Labcorp
Classification: Pathogenic for Fanconi anemia. Last evaluated: 2021-07-06. Review status: criteria provided, single submitter. Criteria: Invitae Variant Classification Sherloc (09022015). Collection method: clinical testing. Allele origin: germline.
Comment: For these reasons, this variant has been classified as Pathogenic. This variant has not been reported in the literature in individuals with FANCA-related conditions. ClinVar contains an entry for this variant (Variation ID: 1076151). This variant is not present in population databases (ExAC no frequency). This variant is a gross deletion of the genomic region encompassing exon(s) 32 of the FANCA gene. This deletion is out-of-frame, and is expected to create a premature translational stop signal and result in an absent or disrupted protein product. Loss-of-function variants in FANCA are known to be pathogenic (PMID: 19367192).

Literature cited by the submitters: PubMed 19367192.